The following is an entry in ClinVar:

NM_001728.4(BSG):c.648G>C (p.Gln216His)

Gene: BSG (basigin (Ok blood group); plus strand). Cytogenetic location: 19p13.3.
Variant type: single nucleotide variant.
Coding change: c.648G>C on transcript NM_001728.4 (MANE Select); coding-DNA position 648, G replaced by C.
Protein change: p.Gln216His; replaces glutamine 216 with histidine.
Molecular consequence: missense variant.
Genome position (GRCh38, 1-based): chr19:580,454, G>C. VCF-style: chr19-580454-G-C. GRCh37 (hg19) VCF-style: chr19-580454-G-C.
Other names: c.300G>C, p.Gln100His (NM_001322243.2, NM_198589.3); c.21G>C, p.Gln7His (NM_198590.3, NM_198591.4); short protein forms Q216H, Q7H, Q100H.
Identifiers: ClinVar variation 4993133 (VCV004993133.1).

ClinVar aggregate classification (germline): Uncertain significance (1 of 4 stars; one submission).

Conditions:
BSG-related disorder. Also called: BSG-related condition.

gnomAD v4.1: 1 of 1,610,604 alleles (0.000062%); highest among the groups gnomAD compares: Admixed American, 0.0017%; no homozygotes.

Submission:

PreventionGenetics, part of Exact Sciences
Classification: Uncertain significance for BSG-related condition. Last evaluated: 2025-12-16. Review status: criteria provided, single submitter. Criteria: ACMG Guidelines, 2015. Collection method: clinical testing. Allele origin: germline.
Comment: The BSG c.300G>C variant is predicted to result in the amino acid substitution p.Gln100His. To our knowledge, this variant has not been reported in the literature. This variant is present in 0.0029% of alleles in individuals of Latino descent in gnomAD. At this time, the clinical significance of this variant is uncertain due to the absence of conclusive functional and genetic evidence.